The following is an entry in ClinVar:

NM_198334.3(GANAB):c.2624+5T>C

Gene: GANAB (glucosidase II alpha subunit; minus strand). Cytogenetic location: 11q12.3.
Variant type: single nucleotide variant.
Coding change: c.2624+5T>C on transcript NM_198334.3 (MANE Select); 5 bases into the intron after coding-DNA position 2624, T replaced by C.
Molecular consequence: intron variant.
Genome position (GRCh38, 1-based): chr11:62,626,330, A>G on the plus strand (T>C on the coding strand, the complement: GANAB is on the minus strand). VCF-style: chr11-62626330-A-G. GRCh37 (hg19) VCF-style: chr11-62393802-A-G.
Other names: c.2282+5T>C (NM_001278193.2); c.2348+5T>C (NM_001278192.2); c.2333+5T>C (NM_001329223.2, NM_001278194.2, NM_001329222.2); c.1901+5T>C (NM_001329225.2, NM_001329224.2); c.2690+5T>C (NM_198335.4).
Identifiers: ClinVar variation 2818531 (VCV002818531.3), dbSNP rs763584288, ClinGen allele CA2739270474.
Genomic context (GRCh38, chr11:62,626,330, plus strand): 5'-CTGGGAGCCCCCACAAGGATCAGGCCCCAGCAAAGGCAGCCAAGGAAGAGTGGGTGACCC[A>G]TTACCTGGAGACAAGGGTGTTGCCAGAGAATGAGAATCGACGCAGCAGGAACTCTTGGCG-3'

ClinVar aggregate classification (germline): Uncertain significance (1 of 4 stars; one submission).

Submission:

Labcorp Genetics (formerly Invitae), Labcorp
Classification: Uncertain significance. Last evaluated: 2023-03-11. Review status: criteria provided, single submitter. Criteria: Invitae Variant Classification Sherloc (09022015). Collection method: clinical testing. Allele origin: germline.
Comment: In summary, the available evidence is currently insufficient to determine the role of this variant in disease. Therefore, it has been classified as a Variant of Uncertain Significance. Variants that disrupt the consensus splice site are a relatively common cause of aberrant splicing (PMID: 17576681, 9536098). Algorithms developed to predict the effect of sequence changes on RNA splicing suggest that this variant is not likely to affect RNA splicing. This variant has not been reported in the literature in individuals affected with GANAB-related conditions. This variant is not present in population databases (gnomAD no frequency). This sequence change falls in intron 23 of the GANAB gene. It does not directly change the encoded amino acid sequence of the GANAB protein. It affects a nucleotide within the consensus splice site.

Literature cited by the submitters: PubMed 17576681; PubMed 9536098.